The following is an entry in ClinVar:

ClinVar aggregate classification (germline): Uncertain significance. Review status: criteria provided, multiple submitters, no conflicts (2 of 4 stars). 4 submissions from 4 submitters: Uncertain significance (4). Last evaluated 2025-08-06.

Conditions:
Hereditary nonpolyposis colorectal neoplasms. Identifiers: MedGen C0009405, MeSH D003123.
Hereditary cancer-predisposing syndrome. Also called: Hereditary Cancer Syndrome; Tumor predisposition; Neoplastic Syndromes, Hereditary; Hereditary neoplastic syndrome. Identifiers: Orphanet 140162, MedGen C0027672, MeSH D009386, MONDO:0015356.

Submissions (4):

Ambry Genetics
Classification: Uncertain significance for Hereditary cancer-predisposing syndrome. Last evaluated: 2025-08-06. Review status: criteria provided, single submitter. Criteria: Ambry Variant Classification Scheme 2023. Collection method: clinical testing. Allele origin: germline.
Comment: The c.988+5G>A intronic variant results from a G to A substitution 5 nucleotides after coding exon 9 in the PMS2 gene. This nucleotide position is highly conserved in available vertebrate species. In silico splice site analysis for this alteration is inconclusive. Based on the available evidence, the clinical significance of this variant remains unclear.

Labcorp Genetics (formerly Invitae), Labcorp
Classification: Uncertain significance for Hereditary nonpolyposis colorectal neoplasms. Last evaluated: 2025-08-03. Review status: criteria provided, single submitter. Criteria: Invitae Variant Classification Sherloc (09022015). Collection method: clinical testing. Allele origin: germline.
Comment: This sequence change falls in intron 9 of the PMS2 gene. It does not directly change the encoded amino acid sequence of the PMS2 protein. It affects a nucleotide within the consensus splice site. This variant is not present in population databases (gnomAD no frequency). This variant has not been reported in the literature in individuals affected with PMS2-related conditions. ClinVar contains an entry for this variant (Variation ID: 1014694). Variants that disrupt the consensus splice site are a relatively common cause of aberrant splicing (PMID: 17576681, 9536098). Algorithms developed to predict the effect of sequence changes on RNA splicing suggest that this variant is not likely to affect RNA splicing. In summary, the available evidence is currently insufficient to determine the role of this variant in disease. Therefore, it has been classified as a Variant of Uncertain Significance.

Quest Diagnostics Nichols Institute San Juan Capistrano
Classification: Uncertain significance. Last evaluated: 2024-03-05. Review status: criteria provided, single submitter. Criteria: Quest Diagnostics criteria. Collection method: clinical testing. Allele origin: unknown.
Comment: The PMS2 c.988+5G>A variant has not been reported in individuals with PMS2-related conditions in the published literature. It also has not been reported in large, multi-ethnic general populations (Genome Aggregation Database). Analysis of this variant using software algorithms for the prediction of the effect of nucleotide changes on PMS2 mRNA splicing yielded inconclusive findings. Based on the available information, we are unable to determine the clinical significance of this variant.

GeneDx
Classification: Uncertain significance. Last evaluated: 2023-07-19. Review status: criteria provided, single submitter. Criteria: GeneDx Variant Classification Process June 2021. Collection method: clinical testing. Allele origin: germline. Affected: yes.
Comment: Not observed at significant frequency in large population cohorts (gnomAD); In silico analysis supports that this variant does not alter splicing; Has not been previously published as pathogenic or benign to our knowledge

Literature cited by the submitters: PubMed 17576681 (cited by Labcorp Genetics (formerly Invitae), Labcorp); PubMed 9536098 (cited by Labcorp Genetics (formerly Invitae), Labcorp).

NM_000535.7(PMS2):c.988+5G>A

Gene: PMS2 (PMS1 homolog 2, mismatch repair system component; minus strand). Cytogenetic location: 7p22.1.
Variant type: single nucleotide variant.
Coding change: c.988+5G>A on transcript NM_000535.7 (MANE Select); 5 bases into the intron after coding-DNA position 988, G replaced by A.
Molecular consequence: intron variant.
Genome position (GRCh38, 1-based): chr7:5,991,968, C>T on the plus strand (G>A on the coding strand, the complement: PMS2 is on the minus strand). VCF-style: chr7-5991968-C-T. GRCh37 (hg19) VCF-style: chr7-6031599-C-T.
Other names: c.988+5G>A (NM_000535.5, NM_001322006.2, NM_001322014.2 and 1 more transcripts); c.670+5G>A (NM_001322008.2, NM_001322007.2); c.583+5G>A (NM_001322010.2, NM_001322004.2, NM_001322003.2 and 2 more transcripts); c.415+5G>A (NM_001322013.2); c.55+5G>A (NM_001322012.2, NM_001322011.2); c.679+5G>A (NM_001322015.2).
Identifiers: ClinVar variation 1014694 (VCV001014694.12), dbSNP rs1783785796, ClinGen allele CA1685241370.